The following is an entry in ClinVar:

NM_000282.4(PCCA):c.241_248dup (p.Lys84fs)

Gene: PCCA (propionyl-CoA carboxylase subunit alpha; plus strand). Cytogenetic location: 13q32.3.
Variant type: Duplication.
Coding change: c.241_248dup on transcript NM_000282.4 (MANE Select); coding-DNA positions 241 to 248, 8 bases duplicated (ACTTGCAA; older notation c.241_248dupACTTGCAA).
Protein change: p.Lys84fs; shifts the reading frame from lysine 84.
Molecular consequence: frameshift variant. On other transcripts: 5 prime UTR variant (3), non-coding transcript variant (5).
Genome position (GRCh38, 1-based): chr13:100,112,002-100,112,009, ACTTGCAA duplicated; duplicating any 8 consecutive bases within chr13:100,112,001-100,112,009 gives the same sequence; the c. name uses the placement nearest the transcript's 3' end. VCF-style (leftmost placement, unchanged base first): chr13-100112000-G-GAACTTGCA. GRCh37 (hg19) VCF-style: chr13-100764254-G-GAACTTGCA.
Other names: c.163_170dup, p.Lys58fs (NM_001127692.3, NM_001352607.2, NM_001352608.2); c.241_248dup, p.Lys84fs (NM_001178004.2, NM_001352605.2, NM_001352606.2 and 1 more transcripts); c.-626_-619dup (NM_001352610.2, NM_001352611.2, NM_001352612.2); short protein forms K58fs, K84fs.
Identifiers: ClinVar variation 4818102 (VCV004818102.1).

ClinVar aggregate classification (germline): Likely pathogenic (1 of 4 stars; one submission).

Conditions:
Propionic acidemia (PROP). Also called: GLYCINEMIA, KETOTIC; HYPERGLYCINEMIA WITH KETOACIDOSIS AND LEUKOPENIA; KETOTIC HYPERGLYCINEMIA. Identifiers: Orphanet 35, MedGen C0268579, MONDO:0011628, OMIM 606054, HP:0003571.

Submission:

Natera, Inc.
Classification: Likely pathogenic for Propionic acidemia. Last evaluated: 2024-10-01. Review status: criteria provided, single submitter. Criteria: Natera Variant Classification Schema (03/2026). Collection method: clinical testing. Allele origin: germline.
Comment: The c.241_248dupACTTGCAA variant in PCCA is a frameshift variant predicted to shift the reading frame beginning at codon 84 and leads to a stop codon 23 codons downstream. This variant is expected to result in nonsense mediated decay, truncation, or a dysfunctional protein product. This variant is rare in the general population with a frequency below the threshold expected for the associated phenotype(s). Given the available evidence, this variant is classified as Likely Pathogenic.